The following is an entry in ClinVar:

NM_001101.5(ACTB):c.720C>T (p.Tyr240=)

Gene: ACTB (actin beta; minus strand). Cytogenetic location: 7p22.1.
Variant type: single nucleotide variant.
Coding change: c.720C>T on transcript NM_001101.5 (MANE Select); coding-DNA position 720, C replaced by T.
Protein change: p.Tyr240=; no amino-acid change (tyrosine 240 retained).
Molecular consequence: synonymous variant.
Genome position (GRCh38, 1-based): chr7:5,528,363, G>A on the plus strand (C>T on the coding strand, the complement: ACTB is on the minus strand). VCF-style: chr7-5528363-G-A. GRCh37 (hg19) VCF-style: chr7-5567994-G-A.
Identifiers: ClinVar variation 696892 (VCV000696892.36), dbSNP rs145793213, ClinGen allele CA4146966.
Genomic context (GRCh38, chr7:5,528,363, plus strand): 5'-TGCCTCAGGGCAGCGGAACCGCTCATTGCCAATGGTGATGACCTGGCCGTCAGGCAGCTC[G>A]TAGCTCTTCTCCAGGGAGGAGCTGGAAGCAGCCGTGGCCATCTCTTGCTCGAAGTCCAGG-3'
Protein context (NP_001092.1, residues 230-250): AASSSSLEKS[Tyr240=]ELPDGQVITI

ClinVar aggregate classification (germline): Likely benign. Review status: criteria provided, multiple submitters, no conflicts (2 of 4 stars). 5 submissions from 5 submitters: Likely benign (5). Last evaluated 2025-12-02.

Conditions:
Baraitser-Winter syndrome 1 (BRWS1). Also called: BARAITSER-WINTER SYNDROME 1, ATYPICAL; Cerebrofrontofacial syndrome; PACHYGYRIA, MENTAL RETARDATION, EPILEPSY, AND CHARACTERISTIC FACIES; MENTAL RETARDATION WITH EPILEPSY AND CHARACTERISTIC FACIES. Identifiers: Orphanet 2649, Orphanet 2995, MedGen C1855722, MONDO:0009470, OMIM 243310.
ACTB-related disorder. Also called: ACTB-related condition; ACTB-related disorders.

Allele frequency attached by ClinVar (database versions not stated): gnomAD 0.00003 and 0.00005; gnomAD exomes 0.00005 and 0.00010; TOPMed 0.00005; ESP Exome Variant Server 0.00008; ExAC 0.00012.
gnomAD v4.1: 86 of 1,614,138 alleles (0.0053%); highest among the groups gnomAD compares: South Asian, 0.071%; no homozygotes.

Submissions (5):

PreventionGenetics, part of Exact Sciences
Classification: Likely benign for ACTB-related condition. Last evaluated: 2025-12-02. Review status: criteria provided, single submitter. Criteria: ACMG Guidelines, 2015. Collection method: clinical testing. Allele origin: germline.
Comment: This variant is classified as likely benign based on ACMG/AMP sequence variant interpretation guidelines (Richards et al. 2015 PMID: 25741868, with internal and published modifications).

Labcorp Genetics (formerly Invitae), Labcorp
Classification: Likely benign for Baraitser-Winter syndrome 1. Last evaluated: 2025-08-11. Review status: criteria provided, single submitter. Criteria: Invitae Variant Classification Sherloc (09022015). Collection method: clinical testing. Allele origin: germline.

Blueprint Genetics
Classification: Likely benign. Last evaluated: 2024-03-25. Review status: criteria provided, single submitter. Criteria: ACMG Guidelines, 2015. Collection method: clinical testing. Allele origin: germline.

CeGaT Center for Human Genetics Tuebingen
Classification: Likely benign. Last evaluated: 2023-01-01. Review status: criteria provided, single submitter. Criteria: CeGaT Center For Human Genetics Tuebingen Variant Classification Criteria Version 2. Collection method: clinical testing. Allele origin: germline. Affected: yes. Observed: 1 variant allele.
Comment: ACTB: BP4, BP7

GeneDx
Classification: Likely benign. Last evaluated: 2020-11-06. Review status: criteria provided, single submitter. Criteria: GeneDx Variant Classification Process June 2021. Collection method: clinical testing. Allele origin: germline. Affected: yes.